The following is an entry in ClinVar:

NM_001377295.2(GNAT2):c.834C>G (p.Ile278Met)

Gene: GNAT2 (G protein subunit alpha transducin 2; minus strand). Cytogenetic location: 1p13.3.
Variant type: single nucleotide variant.
Coding change: c.834C>G on transcript NM_001377295.2 (MANE Select); coding-DNA position 834, C replaced by G.
Protein change: p.Ile278Met; replaces isoleucine 278 with methionine.
Molecular consequence: missense variant.
Genome position (GRCh38, 1-based): chr1:109,603,991, G>C on the plus strand (C>G on the coding strand, the complement: GNAT2 is on the minus strand). VCF-style: chr1-109603991-G-C. GRCh37 (hg19) VCF-style: chr1-110146613-G-C.
Other names: c.834C>G, p.Ile278Met (NM_001379232.1, NM_005272.5); short protein forms I278M.
Identifiers: ClinVar variation 1413802 (VCV001413802.6), dbSNP rs1465582550, ClinGen allele CA341533712.

ClinVar aggregate classification (germline): Uncertain significance (1 of 4 stars; one submission).

Allele frequency attached by ClinVar (database versions not stated): TOPMed below 0.00001; gnomAD 0.00001.
gnomAD v4.1: 1 of 1,610,672 alleles (0.000062%); highest among the groups gnomAD compares: Non-Finnish European, 0.000085%; no homozygotes.

Submission:

Labcorp Genetics (formerly Invitae), Labcorp
Classification: Uncertain significance. Last evaluated: 2021-08-29. Review status: criteria provided, single submitter. Criteria: Invitae Variant Classification Sherloc (09022015). Collection method: clinical testing. Allele origin: germline.
Comment: In summary, the available evidence is currently insufficient to determine the role of this variant in disease. Therefore, it has been classified as a Variant of Uncertain Significance. Algorithms developed to predict the effect of missense changes on protein structure and function are either unavailable or do not agree on the potential impact of this missense change (SIFT: "Deleterious"; PolyPhen-2: "Benign"; Align-GVGD: "Class C0"). This variant has not been reported in the literature in individuals affected with GNAT2-related conditions. This variant is not present in population databases (ExAC no frequency). This sequence change replaces isoleucine with methionine at codon 278 of the GNAT2 protein (p.Ile278Met). The isoleucine residue is highly conserved and there is a small physicochemical difference between isoleucine and methionine.